The following is an entry in ClinVar:

NM_001364905.1(LRBA):c.3725C>T (p.Ala1242Val)

Gene: LRBA (LPS responsive beige-like anchor protein; minus strand). Cytogenetic location: 4q31.3.
Variant type: single nucleotide variant.
Coding change: c.3725C>T on transcript NM_001364905.1 (MANE Select); coding-DNA position 3725, C replaced by T.
Protein change: p.Ala1242Val; replaces alanine 1242 with valine.
Molecular consequence: missense variant.
Genome position (GRCh38, 1-based): chr4:150,851,985, G>A on the plus strand (C>T on the coding strand, the complement: LRBA is on the minus strand). VCF-style: chr4-150851985-G-A. GRCh37 (hg19) VCF-style: chr4-151773137-G-A.
Other names: c.3725C>T, p.Ala1242Val (NM_001199282.3, NM_001367550.1, NM_006726.5); short protein forms A1242V.
Identifiers: ClinVar variation 1443681 (VCV001443681.7), dbSNP rs886227063, ClinGen allele CA107813871.

ClinVar aggregate classification (germline): Uncertain significance (1 of 4 stars; one submission).

Conditions:
Combined immunodeficiency due to LRBA deficiency. Also called: Common variable immunodeficiency 8, with autoimmunity. Identifiers: Orphanet 445018, MedGen C3553512, MONDO:0013863, OMIM 614700.

Allele frequency attached by ClinVar (database versions not stated): TOPMed 0.00003; gnomAD exomes 0.00005 and 0.00002; gnomAD 0.00001.
gnomAD v4.1: 71 of 1,613,916 alleles (0.0044%); highest among the groups gnomAD compares: Non-Finnish European, 0.0054%; no homozygotes.

Submission:

Labcorp Genetics (formerly Invitae), Labcorp
Classification: Uncertain significance for Combined immunodeficiency due to LRBA deficiency. Last evaluated: 2022-08-15. Review status: criteria provided, single submitter. Criteria: Invitae Variant Classification Sherloc (09022015). Collection method: clinical testing. Allele origin: germline.
Comment: In summary, the available evidence is currently insufficient to determine the role of this variant in disease. Therefore, it has been classified as a Variant of Uncertain Significance. Algorithms developed to predict the effect of missense changes on protein structure and function output the following: SIFT: "Tolerated"; PolyPhen-2: "Benign"; Align-GVGD: "Class C0". The valine amino acid residue is found in multiple mammalian species, which suggests that this missense change does not adversely affect protein function. ClinVar contains an entry for this variant (Variation ID: 1443681). This variant has not been reported in the literature in individuals affected with LRBA-related conditions. This variant is present in population databases (no rsID available, gnomAD 0.004%). This sequence change replaces alanine, which is neutral and non-polar, with valine, which is neutral and non-polar, at codon 1242 of the LRBA protein (p.Ala1242Val).